The following is an entry in ClinVar:

ClinVar aggregate classification (germline): Uncertain significance. Review status: criteria provided, multiple submitters, no conflicts (2 of 4 stars). 3 submissions from 3 submitters: Uncertain significance (3). Last evaluated 2025-07-12.

Conditions:
Hereditary cancer-predisposing syndrome. Also called: Hereditary Cancer Syndrome; Hereditary neoplastic syndrome; Neoplastic Syndromes, Hereditary; Tumor predisposition. Identifiers: Orphanet 140162, MedGen C0027672, MeSH D009386, MONDO:0015356.
Ataxia-telangiectasia syndrome (AT). Also called: LOUIS-BAR SYNDROME; Cerebello-oculocutaneous telangiectasia; Immunodeficiency with ataxia telangiectasia; Ataxia-telangiectasia, complementation group E; Ataxia telangiectasia (A-T); Ataxia-telangiectasia, complementation group D. Identifiers: Orphanet 100, MedGen C0004135, MONDO:0008840, OMIM 208900.

Submissions (3):

Ambry Genetics
Classification: Uncertain significance for Hereditary cancer-predisposing syndrome. Last evaluated: 2025-07-12. Review status: criteria provided, single submitter. Criteria: Ambry Variant Classification Scheme 2023. Collection method: clinical testing. Allele origin: germline.
Comment: The p.M1484V variant (also known as c.4450A>G), located in coding exon 29 of the ATM gene, results from an A to G substitution at nucleotide position 4450. The methionine at codon 1484 is replaced by valine, an amino acid with highly similar properties. This amino acid position is conserved. In addition, this alteration is predicted to be tolerated by in silico analysis. Since supporting evidence is limited at this time, the clinical significance of this alteration remains unclear.

Labcorp Genetics (formerly Invitae), Labcorp
Classification: Uncertain significance for Ataxia-telangiectasia syndrome. Last evaluated: 2023-02-17. Review status: criteria provided, single submitter. Criteria: Invitae Variant Classification Sherloc (09022015). Collection method: clinical testing. Allele origin: germline.
Comment: In summary, the available evidence is currently insufficient to determine the role of this variant in disease. Therefore, it has been classified as a Variant of Uncertain Significance. This sequence change replaces methionine, which is neutral and non-polar, with valine, which is neutral and non-polar, at codon 1484 of the ATM protein (p.Met1484Val). This variant is not present in population databases (gnomAD no frequency). This variant has not been reported in the literature in individuals affected with ATM-related conditions. ClinVar contains an entry for this variant (Variation ID: 1740705). An algorithm developed to predict the effect of missense changes on protein structure and function (PolyPhen-2) suggests that this variant is likely to be tolerated.

Blueprint Genetics
Classification: Uncertain significance. Last evaluated: 2020-09-18. Review status: criteria provided, single submitter. Criteria: ACMG Guidelines, 2015. Collection method: clinical testing. Allele origin: germline.

NM_000051.4(ATM):c.4450A>G (p.Met1484Val)

Gene: ATM (ATM serine/threonine kinase; plus strand). Cytogenetic location: 11q22.3.
Variant type: single nucleotide variant.
Coding change: c.4450A>G on transcript NM_000051.4 (MANE Select); coding-DNA position 4450, A replaced by G.
Protein change: p.Met1484Val; replaces methionine 1484 with valine.
Molecular consequence: missense variant.
Genome position (GRCh38, 1-based): chr11:108,292,632, A>G. VCF-style: chr11-108292632-A-G. GRCh37 (hg19) VCF-style: chr11-108163359-A-G.
Other names: c.4450A>G, p.Met1484Val (NM_001351834.2); short protein forms M1484V.
Identifiers: ClinVar variation 1740705 (VCV001740705.7), dbSNP rs2135797458, ClinGen allele CA382532961.